The following is an entry in ClinVar:

NM_001160148.2(DDHD1):c.1012+635G>A

Gene: DDHD1 (DDHD domain containing 1; minus strand). Cytogenetic location: 14q22.1.
Variant type: single nucleotide variant.
Coding change: c.1012+635G>A on transcript NM_001160148.2 (MANE Select); 635 bases into the intron after coding-DNA position 1012, G replaced by A.
Molecular consequence: intron variant. On other transcripts: missense variant (1).
Genome position (GRCh38, 1-based): chr14:53,103,048, C>T on the plus strand (G>A on the coding strand, the complement: DDHD1 is on the minus strand). VCF-style: chr14-53103048-C-T. GRCh37 (hg19) VCF-style: chr14-53569766-C-T.
Other names: c.1016G>A, p.Ser339Asn (NM_001160147.2); c.1012+635G>A (NM_030637.3); short protein forms S339N.
Identifiers: ClinVar variation 1348754 (VCV001348754.7), dbSNP rs1887427543, ClinGen allele CA389770163.

ClinVar aggregate classification (germline): Uncertain significance (1 of 4 stars; one submission).

Conditions:
Hereditary spastic paraplegia 28. Also called: Spastic paraplegia 28, autosomal recessive. Identifiers: Orphanet 101008, MedGen C1836295, MONDO:0012256, OMIM 609340.

Allele frequency attached by ClinVar (database versions not stated): TOPMed below 0.00001; gnomAD 0.00001.
gnomAD v4.1: 2 of 1,568,442 alleles (0.00013%); highest among the groups gnomAD compares: Non-Finnish European, 0.00017%; no homozygotes.

Submission:

Labcorp Genetics (formerly Invitae), Labcorp
Classification: Uncertain significance for Hereditary spastic paraplegia 28. Last evaluated: 2021-05-31. Review status: criteria provided, single submitter. Criteria: Invitae Variant Classification Sherloc (09022015). Collection method: clinical testing. Allele origin: germline.
Comment: Algorithms developed to predict the effect of missense changes on protein structure and function (SIFT, PolyPhen-2, Align-GVGD) all suggest that this variant is likely to be tolerated, but these predictions have not been confirmed by published functional studies and their clinical significance is uncertain. In summary, the available evidence is currently insufficient to determine the role of this variant in disease. Therefore, it has been classified as a Variant of Uncertain Significance. This variant has not been reported in the literature in individuals with DDHD1-related conditions. This variant is not present in population databases (ExAC no frequency). This sequence change replaces serine with asparagine at codon 339 of the DDHD1 protein (p.Ser339Asn). The serine residue is weakly conserved and there is a small physicochemical difference between serine and asparagine.